The following is an entry in ClinVar:

NM_004415.4(DSP):c.4514C>G (p.Ala1505Gly)

Gene: DSP (desmoplakin; plus strand). Cytogenetic location: 6p24.3.
Variant type: single nucleotide variant.
Coding change: c.4514C>G on transcript NM_004415.4 (MANE Select); coding-DNA position 4514, C replaced by G.
Protein change: p.Ala1505Gly; replaces alanine 1505 with glycine.
Molecular consequence: missense variant. On other transcripts: intron variant (2).
Genome position (GRCh38, 1-based): chr6:7,580,704, C>G. VCF-style: chr6-7580704-C-G. GRCh37 (hg19) VCF-style: chr6-7580937-C-G.
Other names: c.4050+464C>G (NM_001319034.2); c.3582+932C>G (NM_001008844.3); short protein forms A1505G.
Identifiers: ClinVar variation 2567520 (VCV002567520.2), dbSNP rs375919492, ClinGen allele CA362686482.

ClinVar aggregate classification (germline): Uncertain significance (1 of 4 stars; one submission).

Conditions:
Cardiovascular phenotype. Identifiers: MedGen CN230736.

gnomAD v4.1: 1 of 1,613,946 alleles (0.000062%); highest among the groups gnomAD compares: Non-Finnish European, 0.000085%; no homozygotes.

Submission:

Ambry Genetics
Classification: Uncertain significance for Cardiovascular phenotype. Last evaluated: 2023-04-09. Review status: criteria provided, single submitter. Criteria: Ambry Variant Classification Scheme 2023. Collection method: clinical testing. Allele origin: germline.
Comment: The p.A1505G variant (also known as c.4514C>G), located in coding exon 23 of the DSP gene, results from a C to G substitution at nucleotide position 4514. The alanine at codon 1505 is replaced by glycine, an amino acid with similar properties. This amino acid position is conserved. In addition, this alteration is predicted to be tolerated by in silico analysis. Since supporting evidence is limited at this time, the clinical significance of this alteration remains unclear.